The following is an entry in ClinVar:

NM_000384.3(APOB):c.10189A>G (p.Thr3397Ala)

Gene: APOB (apolipoprotein B; minus strand). Cytogenetic location: 2p24.1.
Variant type: single nucleotide variant.
Coding change: c.10189A>G on transcript NM_000384.3 (MANE Select); coding-DNA position 10189, A replaced by G.
Protein change: p.Thr3397Ala; replaces threonine 3397 with alanine.
Molecular consequence: missense variant.
Genome position (GRCh38, 1-based): chr2:21,006,679, T>C on the plus strand (A>G on the coding strand, the complement: APOB is on the minus strand). VCF-style: chr2-21006679-T-C. GRCh37 (hg19) VCF-style: chr2-21229551-T-C.
Other names: short protein forms T3397A.
Identifiers: ClinVar variation 3417065 (VCV003417065.2).

ClinVar aggregate classification (germline): Uncertain significance (1 of 4 stars; one submission).

Conditions:
Cardiovascular phenotype. Identifiers: MedGen CN230736.

Submission:

Ambry Genetics
Classification: Uncertain significance for Cardiovascular phenotype. Last evaluated: 2026-09-11. Review status: criteria provided, single submitter. Criteria: Ambry Variant Classification Scheme 2023. Collection method: clinical testing. Allele origin: germline.
Comment: The p.T3397A variant (also known as c.10189A>G), located in coding exon 26 of the APOB gene, results from an A to G substitution at nucleotide position 10189. The threonine at codon 3397 is replaced by alanine, an amino acid with similar properties. This amino acid position is conserved. In addition, this alteration is predicted to be tolerated by in silico analysis. Based on the available evidence, the clinical significance of this variant remains unclear.